The following is an entry in ClinVar:

NM_001029883.3(PCARE):c.2789_2795dup (p.Gln932fs)

Gene: PCARE (photoreceptor cilium actin regulator; minus strand). Cytogenetic location: 2p23.2.
Variant type: Microsatellite.
Coding change: c.2789_2795dup on transcript NM_001029883.3 (MANE Select); coding-DNA positions 2789 to 2795, 7 bases duplicated (CCAGCCA; older notation c.2789_2795dupCCAGCCA).
Protein change: p.Gln932fs; shifts the reading frame from glutamine 932.
Molecular consequence: frameshift variant.
Genome position (GRCh38, 1-based): chr2:29,071,467-29,071,473, TGGCTGG duplicated on the plus strand (CCAGCCA on the coding strand, the reverse complement: PCARE is on the minus strand); duplicating any 7 consecutive bases within chr2:29,071,467-29,071,483 gives the same sequence; the c. name uses the placement nearest the transcript's 3' end. VCF-style (leftmost placement, unchanged base first): chr2-29071466-T-TTGGCTGG. GRCh37 (hg19) VCF-style: chr2-29294332-T-TTGGCTGG.
Other names: c.2789_2795dup7 (NM_001029883.2); short protein forms Q932fs.
Identifiers: ClinVar variation 865922 (VCV000865922.9), dbSNP rs761147595, ClinGen allele CA531766671.

ClinVar aggregate classification (germline): Pathogenic/Likely pathogenic. Review status: criteria provided, multiple submitters, no conflicts (2 of 4 stars). 3 submissions from 3 submitters: Pathogenic (2); Likely pathogenic (1). Last evaluated 2025-07-28.

Conditions:
PCARE-related disorder. Also called: PCARE-related condition.

Submissions (3):

Labcorp Genetics (formerly Invitae), Labcorp
Classification: Pathogenic. Last evaluated: 2025-07-28. Review status: criteria provided, single submitter. Criteria: Invitae Variant Classification Sherloc (09022015). Collection method: clinical testing. Allele origin: germline.
Comment: This sequence change creates a premature translational stop signal (p.Gln932Hisfs*177) in the PCARE gene. It is expected to result in an absent or disrupted protein product. Loss-of-function variants in PCARE are known to be pathogenic (PMID: 20398886, 24339724, 26496393). This variant is present in population databases (no rsID available, gnomAD 0.0009%). This variant has not been reported in the literature in individuals affected with PCARE-related conditions. ClinVar contains an entry for this variant (Variation ID: 865922). For these reasons, this variant has been classified as Pathogenic.

PreventionGenetics, part of Exact Sciences
Classification: Pathogenic for PCARE-related condition. Last evaluated: 2025-05-28. Review status: criteria provided, single submitter. Criteria: ACMG Guidelines, 2015. Collection method: clinical testing. Allele origin: germline.
Comment: The PCARE c.2789_2795dup7 variant is predicted to result in a frameshift and premature protein termination (p.Gln932Hisfs*177). This variant has been reported along with a second PCARE variant in an individual with retinal disease (Table S4, Panneman et al. 2023. PubMed ID: 36819107). This variant is present in 0.00089% of alleles in individuals of European (Non-Finnish) descent in gnomAD. Frameshift variants in PCARE are an established mechanism of disease. This variant is interpreted as pathogenic.

Blueprint Genetics
Classification: Likely pathogenic for PCARE-related disorders. Last evaluated: 2022-04-12. Review status: criteria provided, single submitter. Criteria: ACMG Guidelines, 2015. Collection method: clinical testing. Allele origin: germline. Affected: yes. Observed: 3 variant alleles.

Literature cited by the submitters: PubMed 20398886 (cited by Labcorp Genetics (formerly Invitae), Labcorp); PubMed 24339724 (cited by Labcorp Genetics (formerly Invitae), Labcorp); PubMed 26496393 (cited by Labcorp Genetics (formerly Invitae), Labcorp).